The following is an entry in ClinVar:

ClinVar aggregate classification (germline): Uncertain significance. Review status: criteria provided, multiple submitters, no conflicts (2 of 4 stars). 2 submissions from 2 submitters: Uncertain significance (2). Last evaluated 2022-08-19.

Conditions:
Inborn genetic diseases. Identifiers: MedGen C0950123, MeSH D030342.

Allele frequency attached by ClinVar (database versions not stated): gnomAD 0.00001; TOPMed 0.00004.
gnomAD v4.1: 34 of 1,610,928 alleles (0.0021%); highest among the groups gnomAD compares: Admixed American, 0.035%; no homozygotes.

Submissions (2):

Labcorp Genetics (formerly Invitae), Labcorp
Classification: Uncertain significance. Last evaluated: 2022-08-19. Review status: criteria provided, single submitter. Criteria: Invitae Variant Classification Sherloc (09022015). Collection method: clinical testing. Allele origin: germline.
Comment: This sequence change replaces alanine, which is neutral and non-polar, with serine, which is neutral and polar, at codon 283 of the CARMIL2 protein (p.Ala283Ser). This variant is present in population databases (rs749277056, gnomAD 0.07%). This variant has not been reported in the literature in individuals affected with CARMIL2-related conditions. Algorithms developed to predict the effect of missense changes on protein structure and function output the following: SIFT: "Tolerated"; PolyPhen-2: "Benign"; Align-GVGD: "Class C0". The serine amino acid residue is found in multiple mammalian species, which suggests that this missense change does not adversely affect protein function. In summary, the available evidence is currently insufficient to determine the role of this variant in disease. Therefore, it has been classified as a Variant of Uncertain Significance.

Ambry Genetics
Classification: Uncertain significance for Inborn genetic diseases. Last evaluated: 2021-08-09. Review status: criteria provided, single submitter. Criteria: Ambry Variant Classification Scheme 2023. Collection method: clinical testing. Allele origin: germline.

NM_001013838.3(CARMIL2):c.847G>T (p.Ala283Ser)

Gene: CARMIL2 (capping protein regulator and myosin 1 linker 2; plus strand). Cytogenetic location: 16q22.1.
Variant type: single nucleotide variant.
Coding change: c.847G>T on transcript NM_001013838.3 (MANE Select); coding-DNA position 847, G replaced by T.
Protein change: p.Ala283Ser; replaces alanine 283 with serine.
Molecular consequence: missense variant.
Genome position (GRCh38, 1-based): chr16:67,647,578, G>T. VCF-style: chr16-67647578-G-T. GRCh37 (hg19) VCF-style: chr16-67681481-G-T.
Other names: c.847G>T, p.Ala283Ser (NM_001317026.3); short protein forms A283S.
Identifiers: ClinVar variation 2064218 (VCV002064218.2), dbSNP rs749277056, ClinGen allele CA8113239.